The following is an entry in ClinVar:

NM_005122.5(NR1I3):c.*107T>C

Genes: NR1I3 (nuclear receptor subfamily 1 group I member 3; minus strand), TOMM40L (translocase of outer mitochondrial membrane 40 like; plus strand). Cytogenetic location: 1q23.3.
Variant type: single nucleotide variant.
Coding change: c.*107T>C on transcript NM_005122.5 (MANE Select); 107 bases downstream of the stop codon, T replaced by C.
Molecular consequence: 3 prime UTR variant. On other transcripts: synonymous variant (7).
Genome position (GRCh38, 1-based): chr1:161,229,690, A>G on the plus strand (T>C on the coding strand, the complement: NR1I3 is on the minus strand). VCF-style: chr1-161229690-A-G. GRCh37 (hg19) VCF-style: chr1-161199480-A-G.
Other names: c.*595A>G (NM_001286373.2, NM_001286374.2, NM_032174.6); c.1015T>C, p.Leu339= (NM_001077469.3); c.*107T>C (NM_001077470.3, NM_001077471.3, NM_001077472.3 and 4 more transcripts); c.940T>C, p.Leu314= (NM_001077473.3); c.883T>C, p.Leu295= (NM_001077474.3); c.796T>C, p.Leu266= (NM_001077475.3); c.928T>C, p.Leu310= (NM_001077476.3); c.913T>C, p.Leu305= (NM_001077477.3); and 1 more.
Identifiers: ClinVar variation 3025652 (VCV003025652.22), dbSNP rs773748252, ClinGen allele CA1209575.
Genomic context (GRCh38, chr1:161,229,690, plus strand): 5'-CACCCCCACTATCCCCATGACCGCATGAAGAGGCAGTTATTGCTTTAGTCTTTCATTGCA[A>G]CCACTGGGCTCCCTTTGAACCCGGCCCAATCTTTGGTCCCAGCATTTTCCCACTCCAGTG-3'

ClinVar aggregate classification (germline): Likely benign (1 of 4 stars; one submission).

Allele frequency attached by ClinVar (database versions not stated): gnomAD 0.00001; ExAC 0.00002; TOPMed 0.00002; gnomAD exomes 0.00003.
gnomAD v4.1: 43 of 1,614,078 alleles (0.0027%); highest among the groups gnomAD compares: Middle Eastern, 0.033%; no homozygotes.

Submission:

CeGaT Center for Human Genetics Tuebingen
Classification: Likely benign. Last evaluated: 2024-01-01. Review status: criteria provided, single submitter. Criteria: CeGaT Center For Human Genetics Tuebingen Variant Classification Criteria Version 2. Collection method: clinical testing. Allele origin: germline. Affected: yes. Observed: 1 variant allele.
Comment: NR1I3: BP4, BP7